The following is an entry in ClinVar:

ClinVar aggregate classification (germline): Benign. Review status: criteria provided, multiple submitters, no conflicts (2 of 4 stars). 17 submissions from 17 submitters: Benign (10). 7 of the submissions do not count toward it. Last evaluated 2026-02-04.

Conditions:
Metachromatic leukodystrophy (MLD). Also called: METACHROMATIC LEUKOENCEPHALOPATHY; Arylsulfatase A Deficiency; ARSA DEFICIENCY; CEREBROSIDE SULFATASE DEFICIENCY; SULFATIDE LIPIDOSIS; Cerebral sclerosis diffuse metachromatic form. Identifiers: Orphanet 512, MedGen C0023522, MONDO:0018868, OMIM 250100.

Allele frequency attached by ClinVar (database versions not stated): 1000 Genomes Project 30x 0.40522; gnomAD exomes 0.47985 and 0.52385; ExAC 0.48431; 1000 Genomes Project 0.40555; TOPMed 0.46276; gnomAD 0.47858 and 0.48362; ESP Exome Variant Server 0.48408.

Submissions (17):

Labcorp Genetics (formerly Invitae), Labcorp
Classification: Benign for Metachromatic leukodystrophy. Last evaluated: 2026-02-04. Review status: criteria provided, single submitter. Criteria: Invitae Variant Classification Sherloc (09022015). Collection method: clinical testing. Allele origin: germline.

Blueprint Genetics
Classification: Benign. Last evaluated: 2024-11-28. Review status: criteria provided, single submitter. Criteria: ACMG Guidelines, 2015. Collection method: clinical testing. Allele origin: germline.

Mayo Clinic Laboratories, Mayo Clinic
Classification: Benign. Last evaluated: 2024-09-10. Review status: criteria provided, single submitter. Criteria: ACMG Guidelines, 2015. Collection method: clinical testing. Allele origin: germline. Observed: 2,009 variant alleles.

Genome-Nilou Lab
Classification: Benign for Metachromatic leukodystrophy. Last evaluated: 2021-07-14. Review status: criteria provided, single submitter. Criteria: ACMG Guidelines, 2015. Collection method: clinical testing. Allele origin: germline. Affected: no.

Mendelics
Classification: Benign for Metachromatic leukodystrophy. Last evaluated: 2019-05-28. Review status: criteria provided, single submitter. Criteria: Mendelics Assertion Criteria 2017. Collection method: clinical testing. Allele origin: unknown.

Illumina Laboratory Services, Illumina
Classification: Benign for Metachromatic leukodystrophy. Last evaluated: 2018-03-06. Review status: criteria provided, single submitter. Criteria: ICSL Variant Classification Criteria 13 December 2019. Collection method: clinical testing. Allele origin: germline.
Comment: This variant was observed in the ICSL laboratory as part of a predisposition screen in an ostensibly healthy population. It had not been previously curated by ICSL or reported in the Human Gene Mutation Database (HGMD: prior to June 1st, 2018), and was therefore a candidate for classification through an automated scoring system. Utilizing variant allele frequency, disease prevalence and penetrance estimates, and inheritance mode, an automated score was calculated to assess if this variant is too frequent to cause the disease. Based on the score and internal cut-off values, a variant classified as benign is not then subjected to further curation. The score for this variant resulted in a classification of benign for this disease.

Eurofins Ntd Llc (ga)
Classification: Benign. Last evaluated: 2015-03-16. Review status: criteria provided, single submitter. Criteria: EGL Classification Definitions 2015. Collection method: clinical testing. Allele origin: germline. Observed: 167 variant alleles, 106 heterozygotes, 61 homozygotes.

GeneDx
Classification: Benign. Last evaluated: 2015-03-03. Review status: criteria provided, single submitter. Criteria: GeneDx Variant Classification Process June 2021. Collection method: clinical testing. Allele origin: germline. Affected: yes.
Comment: This variant is associated with the following publications: (PMID: 31694723, 29961769, 11941485, 1670590, 20220177)

Breakthrough Genomics
Classification: Benign. Review status: criteria provided, single submitter. Criteria: ACMG Guidelines, 2015. Collection method: not provided. Allele origin: germline. Inheritance: Autosomal recessive inheritance. Affected: yes.

PreventionGenetics, part of Exact Sciences
Classification: Benign. Review status: criteria provided, single submitter. Criteria: ACMG Guidelines, 2015. Collection method: clinical testing. Allele origin: germline.

Natera, Inc.
Classification: Benign for Metachromatic leukodystrophy. Last evaluated: 2019-11-18. Review status: no assertion criteria provided. Collection method: clinical testing. Allele origin: germline. Not counted in ClinVar's aggregate classification.

SingHealth Duke-NUS Institute of Precision Medicine
Classification: Benign for Metachromatic leukodystrophy. Last evaluated: 2017-06-07. Review status: no assertion criteria provided. Collection method: curation. Allele origin: germline. Affected: no. Not counted in ClinVar's aggregate classification.

Clinical Genetics, Academic Medical Center
Classification: Benign. Review status: no assertion criteria provided. Collection method: clinical testing. Allele origin: germline. Affected: yes. Study: VKGL Data-share Consensus. Not counted in ClinVar's aggregate classification.

Diagnostic Laboratory, Department of Genetics, University Medical Center Groningen
Classification: Benign. Review status: no assertion criteria provided. Collection method: clinical testing. Allele origin: germline. Affected: yes. Study: VKGL Data-share Consensus. Not counted in ClinVar's aggregate classification.

GeneReviews
No classification provided. Condition: Metachromatic leukodystrophy. Review status: no classification provided. Collection method: literature only. Allele origin: germline. Not counted in ClinVar's aggregate classification.

Genome Diagnostics Laboratory, University Medical Center Utrecht
Classification: Benign. Review status: no assertion criteria provided. Collection method: clinical testing. Allele origin: germline. Affected: yes. Study: VKGL Data-share Consensus. Not counted in ClinVar's aggregate classification.

Joint Genome Diagnostic Labs from Nijmegen and Maastricht, Radboudumc and MUMC+
Classification: Benign. Review status: no assertion criteria provided. Collection method: clinical testing. Allele origin: germline. Affected: yes. Study: VKGL Data-share Consensus. Not counted in ClinVar's aggregate classification.

Literature cited by the submitters: NCBI Bookshelf NBK1130 (cited by GeneReviews).

NM_000487.6(ARSA):c.1178C>G (p.Thr393Ser)

Gene: ARSA (arylsulfatase A; minus strand). Cytogenetic location: 22q13.33.
Variant type: single nucleotide variant.
Coding change: c.1178C>G on transcript NM_000487.6 (MANE Select); coding-DNA position 1178, C replaced by G.
Protein change: p.Thr393Ser; replaces threonine 393 with serine.
Molecular consequence: missense variant.
Genome position (GRCh38, 1-based): chr22:50,625,611, G>C on the plus strand (C>G on the coding strand, the complement: ARSA is on the minus strand). VCF-style: chr22-50625611-G-C. GRCh37 (hg19) VCF-style: chr22-51064039-G-C.
Other names: c.1178C>G, p.Thr393Ser (NM_001085425.3, NM_001085426.3, NM_001085427.3); c.920C>G, p.Thr307Ser (NM_001085428.3, NM_001362782.2); short protein forms T393S, T307S.
Identifiers: ClinVar variation 21184 (VCV000021184.45), dbSNP rs743616, ClinGen allele CA146668.
Genomic context (GRCh38, chr22:50,625,611, plus strand): 5'-GGGGGAGGGATCCACGGGGAGGGGTTACCCTGGGTGAAGAAGTGAGCCTTGTACTTTCCA[G>C]TCCGCACAGCAAAAACCCCACGGACCTCGTCTGGGTAGGACGGGTAGAAGAAGAGAGACT-3'
Protein context (NP_000478.3, residues 383-403): DEVRGVFAVR[Thr393Ser]GKYKAHFFTQ